The following is an entry in ClinVar:

ClinVar aggregate classification (germline): Uncertain significance (0 of 4 stars; one submission).

Conditions:
BDNF-related disorder. Also called: BDNF-related condition.

gnomAD v4.1: 35 of 1,613,964 alleles (0.0022%); highest among the groups gnomAD compares: Admixed American, 0.01%; no homozygotes.

Submission:

PreventionGenetics, part of Exact Sciences
Classification: Uncertain significance for BDNF-related condition. Last evaluated: 2024-07-17. Review status: no assertion criteria provided. Collection method: clinical testing. Allele origin: germline.
Comment: The BDNF c.734C>T variant is predicted to result in the amino acid substitution p.Thr245Met. To our knowledge, this variant has not been reported in the literature. This variant is reported in 0.011% of alleles in individuals of Latino descent in gnomAD. At this time, the clinical significance of this variant is uncertain due to the absence of conclusive functional and genetic evidence.

NM_001709.5(BDNF):c.488C>T (p.Thr163Met)

Genes: BDNF (brain derived neurotrophic factor; minus strand), BDNF-AS (BDNF antisense RNA; plus strand). Cytogenetic location: 11p14.1.
Variant type: single nucleotide variant.
Coding change: c.488C>T on transcript NM_001709.5 (MANE Select); coding-DNA position 488, C replaced by T.
Protein change: p.Thr163Met; replaces threonine 163 with methionine.
Molecular consequence: missense variant.
Genome position (GRCh38, 1-based): chr11:27,658,077, G>A on the plus strand (C>T on the coding strand, the complement: BDNF is on the minus strand). VCF-style: chr11-27658077-G-A. GRCh37 (hg19) VCF-style: chr11-27679624-G-A.
Other names: c.488C>T, p.Thr163Met (NM_001143805.1, NM_001143806.1, NM_001143807.2 and 9 more transcripts); c.575C>T, p.Thr192Met (NM_001143809.2); c.734C>T, p.Thr245Met (NM_001143810.2); c.512C>T, p.Thr171Met (NM_170731.5); c.533C>T, p.Thr178Met (NM_170734.4); short protein forms T163M, T171M, T178M, T192M, T245M.
Identifiers: ClinVar variation 3353045 (VCV003353045.1).
Genomic context (GRCh38, chr11:27,658,077, plus strand): 5'-TCGTAGAAGTATTGCTTCAGTTGGCCTTTTGATACAGGGACCTTTTCAAGGACTGTGACC[G>A]TCCCGCCCGACATGTCCACTGCAGTCTTTTTGTCTGCCGCCGTTACCCACTCACTAATAC-3'
Protein context (NP_001700.2, residues 153-173): KKTAVDMSGG[Thr163Met]VTVLEKVPVS